The following is an entry in ClinVar:

NM_004006.3(DMD):c.10576C>T (p.Arg3526Cys)

Gene: DMD (dystrophin; minus strand). Cytogenetic location: Xp21.2.
Variant type: single nucleotide variant.
Coding change: c.10576C>T on transcript NM_004006.3 (MANE Select); coding-DNA position 10576, C replaced by T.
Protein change: p.Arg3526Cys; replaces arginine 3526 with cysteine.
Molecular consequence: missense variant.
Genome position (GRCh38, 1-based): chrX:31,147,496, G>A on the plus strand (C>T on the coding strand, the complement: DMD is on the minus strand). VCF-style: chrX-31147496-G-A. GRCh37 (hg19) VCF-style: chrX-31165613-G-A.
Other names: c.10576C>T (NM_004006.2); c.10552C>T, p.Arg3518Cys (NM_000109.4); c.10564C>T, p.Arg3522Cys (NM_004009.3); c.10207C>T, p.Arg3403Cys (NM_004010.3); c.6553C>T, p.Arg2185Cys (NM_004011.4); c.6544C>T, p.Arg2182Cys (NM_004012.4); c.3196C>T, p.Arg1066Cys (NM_004013.3, NM_004021.3); c.2389C>T, p.Arg797Cys (NM_004014.3); and 4 more; short protein forms R1053C, R1066C, R2182C, R2185C, R3403C, R3518C, R3522C, R3526C.
Identifiers: ClinVar variation 1025527 (VCV001025527.9), dbSNP rs905145891, ClinGen allele CA328402839.
Genomic context (GRCh38, chrX:31,147,496, plus strand): 5'-TCATTTCAGGAGGGGACGGCAGTGGGGACAGGCCTTTATGTTCGTGCTGCTGCTTTAGAC[G>A]GTCATATTCTGCTTGCAGATTCCTATTGGCATCAAAAAAGTAAAAAAGAAAAAAAAAGAA-3'
Protein context (NP_003997.2, residues 3516-3536): ENRNLQAEYD[Arg3526Cys]LKQQHEHKGL

ClinVar aggregate classification (germline): Uncertain significance. Review status: criteria provided, multiple submitters, no conflicts (2 of 4 stars). 3 submissions from 3 submitters: Uncertain significance (2). 1 of the submissions does not count toward it. Last evaluated 2026-04-22.

Conditions:
Cardiomyopathy (CMYO). Also called: Cardiomyopathies. Identifiers: Orphanet 167848, MedGen C0878544, MONDO:0004994, HP:0001638. Inheritance: Various modes of inheritance.
Dystrophin deficiency.
Duchenne muscular dystrophy (DMD). Also called: MUSCULAR DYSTROPHY, PSEUDOHYPERTROPHIC PROGRESSIVE, DUCHENNE TYPE; Duchenne Muscular Dystrophy (DMD). Identifiers: Orphanet 98896, MedGen C0013264, MONDO:0010679, OMIM 310200.
Becker muscular dystrophy (BMD). Also called: Becker Muscular Dystrophy (BMD); MUSCULAR DYSTROPHY, PSEUDOHYPERTROPHIC PROGRESSIVE, BECKER TYPE. Identifiers: Orphanet 98895, MedGen C0917713, MONDO:0010311, OMIM 300376.
Cardiovascular phenotype. Identifiers: MedGen CN230736.

Allele frequency attached by ClinVar (database versions not stated): gnomAD exomes 0.00001 and 0.00002; gnomAD 0.00004.
gnomAD v4.1: 21 of 1,195,575 alleles (0.0018%); highest among the groups gnomAD compares: Middle Eastern, 0.023%; no homozygotes.

Submissions (3):

Ambry Genetics
Classification: Uncertain significance for Cardiovascular phenotype. Last evaluated: 2026-04-22. Review status: criteria provided, single submitter. Criteria: Ambry Variant Classification Scheme 2023. Collection method: clinical testing. Allele origin: germline.
Comment: The p.R3526C variant (also known as c.10576C>T), located in coding exon 75 of the DMD gene, results from a C to T substitution at nucleotide position 10576. The arginine at codon 3526 is replaced by cysteine, an amino acid with highly dissimilar properties. This amino acid position is highly conserved in available vertebrate species. In addition, this alteration is predicted to be deleterious by in silico analysis. Based on data from gnomAD, the T allele has an overall frequency of 0.001% (2/192654) total alleles studied, with no hemizygote(s) observed. The highest observed frequency was 0.002% (2/85552) of European (non-Finnish) alleles. Based on the available evidence, the clinical significance of this variant remains unclear.

Labcorp Genetics (formerly Invitae), Labcorp
Classification: Uncertain significance for Duchenne muscular dystrophy. Last evaluated: 2025-12-17. Review status: criteria provided, single submitter. Criteria: Invitae Variant Classification Sherloc (09022015). Collection method: clinical testing. Allele origin: germline.
Comment: This sequence change replaces arginine, which is basic and polar, with cysteine, which is neutral and slightly polar, at codon 3526 of the DMD protein (p.Arg3526Cys). The frequency data for this variant in the population databases is considered unreliable, as metrics indicate poor data quality at this position in the gnomAD database. This variant has not been reported in the literature in individuals affected with DMD-related conditions. ClinVar contains an entry for this variant (Variation ID: 1025527). Invitae Evidence Modeling of protein sequence and biophysical properties (such as structural, functional, and spatial information, amino acid conservation, physicochemical variation, residue mobility, and thermodynamic stability) indicates that this missense variant is not expected to disrupt DMD protein function with a negative predictive value of 95%. In summary, the available evidence is currently insufficient to determine the role of this variant in disease. Therefore, it has been classified as a Variant of Uncertain Significance.

Natera, Inc.
Classification: Uncertain significance for Becker muscular dystrophy; Cardiomyopathy; Duchenne muscular dystrophy; Dystrophin deficiency. Last evaluated: 2018-12-17. Review status: no assertion criteria provided. Collection method: clinical testing. Allele origin: germline. Not counted in ClinVar's aggregate classification.